The following is an entry in ClinVar:

NM_001197104.2(KMT2A):c.8443A>C (p.Thr2815Pro)

Gene: KMT2A (lysine methyltransferase 2A; plus strand). Cytogenetic location: 11q23.3.
Variant type: single nucleotide variant.
Coding change: c.8443A>C on transcript NM_001197104.2 (MANE Select); coding-DNA position 8443, A replaced by C.
Protein change: p.Thr2815Pro; replaces threonine 2815 with proline.
Molecular consequence: missense variant.
Genome position (GRCh38, 1-based): chr11:118,504,335, A>C. VCF-style: chr11-118504335-A-C. GRCh37 (hg19) VCF-style: chr11-118375050-A-C.
Other names: c.8533A>C, p.Thr2845Pro (NM_001412597.1); c.8434A>C, p.Thr2812Pro (NM_005933.4); short protein forms T2812P, T2815P, T2845P.
Identifiers: ClinVar variation 3602580 (VCV003602580.1).

ClinVar aggregate classification (germline): Uncertain significance (1 of 4 stars; one submission).

Conditions:
Wiedemann-Steiner syndrome (WDSTS). Also called: Growth deficiency and mental retardation with facial dysmorphism. Identifiers: Orphanet 319182, MedGen C1854630, MONDO:0011518, OMIM 605130.

gnomAD v4.1: 5 of 1,614,184 alleles (0.00031%); highest among the groups gnomAD compares: Non-Finnish European, 0.00042%; no homozygotes.

Submission:

Clinical Genomics Laboratory, Washington University in St. Louis
Classification: Uncertain significance for Wiedemann-Steiner syndrome. Last evaluated: 2023-12-18. Review status: criteria provided, single submitter. Criteria: ACMG Guidelines, 2015. Collection method: clinical testing. Allele origin: germline.
Comment: The KMT2A c.8843A>C (p.Thr2815Pro) variant, to our knowledge, has not been reported in the medical literature and is absent from the general population (gnomAD v.2.1.1), indicating it is not a common variant. Computational predictors are uncertain as to the impact of this variant on KMT2A function. Due to limited information, and based on ACMG/AMP guidelines for variant interpretation (Richards S et al., PMID: 25741868), the clinical significance of this variant is uncertain at this time.